The following is an entry in ClinVar:

ClinVar aggregate classification (germline): Uncertain significance (1 of 4 stars; one submission).

Conditions:
RYR1-related disorder. Also called: RYR1-related condition; RYR1-related disorders. Identifiers: MedGen CN239331.

Submission:

Labcorp Genetics (formerly Invitae), Labcorp
Classification: Uncertain significance for RYR1-related disorder. Last evaluated: 2025-06-18. Review status: criteria provided, single submitter. Criteria: Invitae Variant Classification Sherloc (09022015). Collection method: clinical testing. Allele origin: germline.
Comment: This sequence change replaces isoleucine, which is neutral and non-polar, with methionine, which is neutral and non-polar, at codon 4250 of the RYR1 protein (p.Ile4250Met). This variant is not present in population databases (gnomAD no frequency). This variant has not been reported in the literature in individuals affected with RYR1-related conditions. Invitae Evidence Modeling of protein sequence and biophysical properties (such as structural, functional, and spatial information, amino acid conservation, physicochemical variation, residue mobility, and thermodynamic stability) has been performed for this missense variant. However, the output from this modeling did not meet the statistical confidence thresholds required to predict the impact of this variant on RYR1 protein function. In summary, the available evidence is currently insufficient to determine the role of this variant in disease. Therefore, it has been classified as a Variant of Uncertain Significance.

NM_000540.3(RYR1):c.12750C>G (p.Ile4250Met)

Gene: RYR1 (ryanodine receptor 1; plus strand). Cytogenetic location: 19q13.2.
Variant type: single nucleotide variant.
Coding change: c.12750C>G on transcript NM_000540.3 (MANE Select); coding-DNA position 12750, C replaced by G.
Protein change: p.Ile4250Met; replaces isoleucine 4250 with methionine.
Molecular consequence: missense variant.
Genome position (GRCh38, 1-based): chr19:38,565,084, C>G. VCF-style: chr19-38565084-C-G. GRCh37 (hg19) VCF-style: chr19-39055724-C-G.
Other names: c.12735C>G, p.Ile4245Met (NM_001042723.2); short protein forms I4245M, I4250M.
Identifiers: ClinVar variation 4759578 (VCV004759578.1).